The following is an entry in ClinVar:

ClinVar aggregate classification (germline): Benign/Likely benign. Review status: criteria provided, multiple submitters, no conflicts (2 of 4 stars). 2 submissions from 2 submitters: Benign (1); Likely benign (1). Last evaluated 2024-04-01.

Conditions:
Familial adenomatous polyposis 1 (FAP1). Also called: POLYPOSIS, ADENOMATOUS INTESTINAL; FAMILIAL ADENOMATOUS POLYPOSIS 1, ATTENUATED. Identifiers: MedGen C2713442, MONDO:0021056, OMIM 175100. Disease mechanism: loss of function.
Hereditary cancer-predisposing syndrome. Also called: Neoplastic Syndromes, Hereditary; Tumor predisposition; Hereditary neoplastic syndrome; Hereditary Cancer Syndrome. Identifiers: Orphanet 140162, MedGen C0027672, MeSH D009386, MONDO:0015356.

Submissions (2):

Myriad Genetics, Inc.
Classification: Benign for Familial adenomatous polyposis 1. Last evaluated: 2024-04-01. Review status: criteria provided, single submitter. Criteria: Myriad Autosomal Dominant, Autosomal Recessive and X-Linked Classification Criteria (2023). Collection method: clinical testing. Allele origin: unknown.
Comment: This variant is considered benign. This variant is a silent/synonymous amino acid change and it is not expected to impact splicing.

Ambry Genetics
Classification: Likely benign for Hereditary cancer-predisposing syndrome. Last evaluated: 2023-02-24. Review status: criteria provided, single submitter. Criteria: Ambry Variant Classification Scheme 2023. Collection method: clinical testing. Allele origin: germline.

NM_000038.6(APC):c.5139G>A (p.Leu1713=)

Gene: APC (APC regulator of Wnt signaling pathway; plus strand). Cytogenetic location: 5q22.2.
Variant type: single nucleotide variant.
Coding change: c.5139G>A on transcript NM_000038.6 (MANE Select); coding-DNA position 5139, G replaced by A.
Protein change: p.Leu1713=; no amino-acid change (leucine 1713 retained).
Molecular consequence: synonymous variant. On other transcripts: non-coding transcript variant (2).
Genome position (GRCh38, 1-based): chr5:112,840,733, G>A. VCF-style: chr5-112840733-G-A. GRCh37 (hg19) VCF-style: chr5-112176430-G-A.
Other names: c.5139G>A, p.Leu1713= (NM_001127510.3, NM_001354895.2, NM_001407450.1); c.5085G>A, p.Leu1695= (NM_001127511.3); c.5193G>A, p.Leu1731= (NM_001354896.2, NM_001407447.1, NM_001407448.1 and 1 more transcripts); c.5169G>A, p.Leu1723= (NM_001354897.2); c.5064G>A, p.Leu1688= (NM_001354898.2); c.5055G>A, p.Leu1685= (NM_001354899.2); c.5016G>A, p.Leu1672= (NM_001354900.2); c.4962G>A, p.Leu1654= (NM_001354901.2, NM_001407453.1); and 11 more.
Identifiers: ClinVar variation 2452763 (VCV002452763.3), dbSNP rs2149932958, ClinGen allele CA446209605.
Genomic context (GRCh38, chr5:112,840,733, plus strand): 5'-AGGCAGAAGTACAGATGAGGCTCAAGGAGGAAAAACCTCATCTGTAACCATACCTGAATT[G>A]GATGACAATAAAGCAGAGGAAGGTGATATTCTTGCAGAATGCATTAATTCTGCTATGCCC-3'
Protein context (NP_000029.2, residues 1703-1723): GKTSSVTIPE[Leu1713=]DDNKAEEGDI